The following is an entry in ClinVar:

NM_000038.6(APC):c.6284A>G (p.Asp2095Gly)

Gene: APC (APC regulator of Wnt signaling pathway; plus strand). Cytogenetic location: 5q22.2.
Variant type: single nucleotide variant.
Coding change: c.6284A>G on transcript NM_000038.6 (MANE Select); coding-DNA position 6284, A replaced by G.
Protein change: p.Asp2095Gly; replaces aspartic acid 2095 with glycine.
Molecular consequence: missense variant. On other transcripts: non-coding transcript variant (2).
Genome position (GRCh38, 1-based): chr5:112,841,878, A>G. VCF-style: chr5-112841878-A-G. GRCh37 (hg19) VCF-style: chr5-112177575-A-G.
Other names: c.6284A>G, p.Asp2095Gly (NM_001127510.3, NM_001354895.2, NM_001407450.1); c.6230A>G, p.Asp2077Gly (NM_001127511.3); c.6338A>G, p.Asp2113Gly (NM_001354896.2, NM_001407447.1, NM_001407448.1 and 1 more transcripts); c.6314A>G, p.Asp2105Gly (NM_001354897.2); c.6209A>G, p.Asp2070Gly (NM_001354898.2); c.6200A>G, p.Asp2067Gly (NM_001354899.2); c.6161A>G, p.Asp2054Gly (NM_001354900.2); c.6107A>G, p.Asp2036Gly (NM_001354901.2, NM_001407453.1); and 11 more; short protein forms D1711G, D1812G, D1935G, D1966G, D1969G, D1994G, D2004G, D2012G.
Identifiers: ClinVar variation 4861261 (VCV004861261.1).
Genomic context (GRCh38, chr5:112,841,878, plus strand): 5'-ATCTGACACTTGATTTGAAAGATATACAGAGACCAGATTCAGAACATGGTCTATCCCCTG[A>G]TTCAGAAAATTTTGATTGGAAAGCTATTCAGGAAGGTGCAAATTCCATAGTAAGTAGTTT-3'
Protein context (NP_000029.2, residues 2085-2105): RPDSEHGLSP[Asp2095Gly]SENFDWKAIQ

ClinVar aggregate classification (germline): Uncertain significance (1 of 4 stars; one submission).

Conditions:
Hereditary cancer-predisposing syndrome. Also called: Neoplastic Syndromes, Hereditary; Tumor predisposition; Hereditary Cancer Syndrome; Hereditary neoplastic syndrome. Identifiers: Orphanet 140162, MedGen C0027672, MeSH D009386, MONDO:0015356.

Submission:

Ambry Genetics
Classification: Uncertain significance for Hereditary cancer-predisposing syndrome. Last evaluated: 2026-04-19. Review status: criteria provided, single submitter. Criteria: Ambry Variant Classification Scheme 2023. Collection method: clinical testing. Allele origin: germline.
Comment: The p.D2095G variant (also known as c.6284A>G), located in coding exon 15 of the APC gene, results from an A to G substitution at nucleotide position 6284. The aspartic acid at codon 2095 is replaced by glycine, an amino acid with similar properties. This amino acid position is conserved. In addition, in silico predictors for this gene do not accurately predict pathogenicity. Based on the available evidence, the clinical significance of this variant remains unclear.